The following is an entry in ClinVar:

ClinVar aggregate classification (germline): Benign/Likely benign. Review status: criteria provided, multiple submitters, no conflicts (2 of 4 stars). 5 submissions from 5 submitters: Benign (2); Likely benign (3). Last evaluated 2026-01-16.

Conditions:
Bartter disease type 3. Also called: Bartter syndrome type 3. Identifiers: Orphanet 112, Orphanet 93605, MedGen C1846343, MONDO:0011822, OMIM 607364.
Bartter disease type 4B. Also called: BARTTER SYNDROME, TYPE 4B; BARTTER SYNDROME, TYPE 4B, NEONATAL, WITH SENSORINEURAL DEAFNESS; Bartter syndrome, type 4b, digenic. Identifiers: Orphanet 112, MedGen C4310805, MONDO:0000909, OMIM 613090.

Allele frequency attached by ClinVar (database versions not stated): gnomAD exomes 0.00079 and 0.00216; ExAC 0.00246; gnomAD 0.00808 and 0.00874; 1000 Genomes Project 0.00839; ESP Exome Variant Server 0.00877; TOPMed 0.00888.
gnomAD v4.1: 2,457 of 1,614,104 alleles (0.15%); highest among the groups gnomAD compares: African/African-American, 2.6%; 42 homozygotes.

Submissions (5):

Labcorp Genetics (formerly Invitae), Labcorp
Classification: Benign. Last evaluated: 2026-01-16. Review status: criteria provided, single submitter. Criteria: Invitae Variant Classification Sherloc (09022015). Collection method: clinical testing. Allele origin: germline.

Mayo Clinic Laboratories, Mayo Clinic
Classification: Benign. Last evaluated: 2025-07-27. Review status: criteria provided, single submitter. Criteria: ACMG Guidelines, 2015. Collection method: clinical testing. Allele origin: germline. Observed: 1 variant allele.
Comment: BS1, BS2, BP4

Fulgent Genetics
Classification: Likely benign for Bartter disease type 3; Bartter disease type 4B. Last evaluated: 2021-10-08. Review status: criteria provided, single submitter. Criteria: ACMG Guidelines, 2015. Collection method: clinical testing. Allele origin: unknown.

GeneDx
Classification: Likely benign. Last evaluated: 2021-05-06. Review status: criteria provided, single submitter. Criteria: GeneDx Variant Classification Process June 2021. Collection method: clinical testing. Allele origin: germline. Affected: yes.

Breakthrough Genomics
Classification: Likely benign. Review status: criteria provided, single submitter. Criteria: ACMG Guidelines, 2015. Collection method: not provided. Allele origin: germline. Inheritance: Autosomal recessive inheritance. Affected: yes.

NM_000085.5(CLCNKB):c.310G>A (p.Val104Ile)

Genes: CLCNKB (chloride voltage-gated channel Kb; plus strand), LOC106501713 (CLCNKB recombination region; plus strand). Cytogenetic location: 1p36.13.
Variant type: single nucleotide variant.
Coding change: c.310G>A on transcript NM_000085.5 (MANE Select); coding-DNA position 310, G replaced by A.
Protein change: p.Val104Ile; replaces valine 104 with isoleucine.
Molecular consequence: missense variant.
Genome position (GRCh38, 1-based): chr1:16,046,615, G>A. VCF-style: chr1-16046615-G-A. GRCh37 (hg19) VCF-style: chr1-16373110-G-A.
Other names: p.Val104Ile; short protein forms V104I.
Identifiers: ClinVar variation 780216 (VCV000780216.13), dbSNP rs35530360, ClinGen allele CA623264.